The following is an entry in ClinVar:

NM_000155.4(GALT):c.1132A>G (p.Ile378Val)

Gene: GALT (galactose-1-phosphate uridylyltransferase; plus strand). Cytogenetic location: 9p13.3.
Variant type: single nucleotide variant.
Coding change: c.1132A>G on transcript NM_000155.4 (MANE Select); coding-DNA position 1132, A replaced by G.
Protein change: p.Ile378Val; replaces isoleucine 378 with valine.
Molecular consequence: missense variant.
Genome position (GRCh38, 1-based): chr9:34,650,441, A>G. VCF-style: chr9-34650441-A-G. GRCh37 (hg19) VCF-style: chr9-34650438-A-G.
Other names: c.805A>G, p.Ile269Val (NM_001258332.2); short protein forms I269V.
Identifiers: ClinVar variation 25334 (VCV000025334.24), dbSNP rs111033819, ClinGen allele CA259588.

ClinVar aggregate classification (germline): Uncertain significance. Review status: criteria provided, multiple submitters, no conflicts (2 of 4 stars). 9 submissions from 9 submitters: Uncertain significance (7). 2 of the submissions do not count toward it. Last evaluated 2025-12-31.

Conditions:
Galactosemia. Also called: Galactose intolerance. Identifiers: Orphanet 352, MedGen C0016952, MONDO:0018116, HP:0004919. Disease mechanism: loss of function.
Deficiency of UDPglucose-hexose-1-phosphate uridylyltransferase. Also called: GALACTOSE-1-PHOSPHATE URIDYLYLTRANSFERASE DEFICIENCY; GALT deficiency; Galactosemia, classic; Transferase Deficiency Galactosemia; GALACTOSEMIA I. Identifiers: Orphanet 352, Orphanet 79239, MedGen C0268151, MONDO:0009258, OMIM 230400.

Allele frequency attached by ClinVar (database versions not stated): ESP Exome Variant Server 0.00023; gnomAD exomes 0.00009 and 0.00010; TOPMed 0.00010; ExAC 0.00012; gnomAD 0.00014.

Submissions (9):

Labcorp Genetics (formerly Invitae), Labcorp
Classification: Uncertain significance for Deficiency of UDPglucose-hexose-1-phosphate uridylyltransferase. Last evaluated: 2025-12-31. Review status: criteria provided, single submitter. Criteria: Invitae Variant Classification Sherloc (09022015). Collection method: clinical testing. Allele origin: germline.
Comment: This sequence change replaces isoleucine, which is neutral and non-polar, with valine, which is neutral and non-polar, at codon 378 of the GALT protein (p.Ile378Val). This variant is present in population databases (rs111033819, gnomAD 0.02%). This missense change has been observed in individual(s) with galactosemia (PMID: 11678552). ClinVar contains an entry for this variant (Variation ID: 25334). An algorithm developed to predict the effect of missense changes on protein structure and function outputs the following: PolyPhen-2: "Benign". The valine amino acid residue is found in multiple mammalian species, which suggests that this missense change does not adversely affect protein function. In summary, the available evidence is currently insufficient to determine the role of this variant in disease. Therefore, it has been classified as a Variant of Uncertain Significance.

Blueprint Genetics
Classification: Uncertain significance. Last evaluated: 2024-11-18. Review status: criteria provided, single submitter. Criteria: ACMG Guidelines, 2015. Collection method: clinical testing. Allele origin: germline.

Women's Health and Genetics/Laboratory Corporation of America, LabCorp
Classification: Uncertain significance. Last evaluated: 2022-06-27. Review status: criteria provided, single submitter. Criteria: LabCorp Variant Classification Summary - May 2015. Collection method: clinical testing. Allele origin: germline.
Comment: Variant summary: GALT c.1132A>G (p.Ile378Val) results in a conservative amino acid change in the encoded protein sequence. Three of five in-silico tools predict a benign effect of the variant on protein function. The variant allele was found at a frequency of 0.00011 in 282716 control chromosomes (gnomAD). This frequency is not significantly higher than expected for a pathogenic variant in GALT causing Galactosemia (0.00011 vs 0.0029), allowing no conclusion about variant significance. c.1132A>G has been reported in the literature in at least one individual affected with Galactosemia (Zekanowski_2001). However, this report does not provide unequivocal conclusions about association of the variant with Galactosemia. To our knowledge, no experimental evidence demonstrating an impact on protein function has been reported. Six ClinVar submitters have assessed the variant since 2014: all classified the variant as of uncertain significance. Based on the evidence outlined above, the variant was classified as uncertain significance.

Fulgent Genetics
Classification: Uncertain significance for Deficiency of UDPglucose-hexose-1-phosphate uridylyltransferase. Last evaluated: 2022-04-18. Review status: criteria provided, single submitter. Criteria: ACMG Guidelines, 2015. Collection method: clinical testing. Allele origin: unknown.

Myriad Genetics, Inc.
Classification: Uncertain significance for Deficiency of UDPglucose-hexose-1-phosphate uridylyltransferase. Last evaluated: 2021-11-08. Review status: criteria provided, single submitter. Criteria: Myriad Women's Health Autosomal Recessive and X-Linked Classification Criteria (2021). Collection method: clinical testing. Allele origin: unknown.
Comment: NM_000155.3(GALT):c.1132A>G(I378V) is a missense variant classified as a variant of uncertain significance in the context of galactosemia. I378V has been observed in cases with relevant disease (PMID: 11678552). Functional assessments of this variant are not available in the literature. I378V has been observed in population frequency databases (gnomAD: NFE 0.02%). In summary, there is insufficient evidence to classify NM_000155.3(GALT):c.1132A>G(I378V) as pathogenic or benign. Please note: this variant was assessed in the context of healthy population screening.

Illumina Laboratory Services, Illumina
Classification: Uncertain significance for Deficiency of UDPglucose-hexose-1-phosphate uridylyltransferase. Last evaluated: 2017-04-28. Review status: criteria provided, single submitter. Criteria: ICSL Variant Classification Criteria 13 December 2019. Collection method: clinical testing. Allele origin: germline.
Comment: This variant was observed as part of a predisposition screen in an ostensibly healthy population. A literature search was performed for the gene, cDNA change, and amino acid change (where applicable). Publications were found based on this search. However, the evidence from the literature, in combination with allele frequency data from public databases where available, was not sufficient to rule this variant in or out of causing disease. Therefore, this variant is classified as a variant of unknown significance.

ARUP Laboratories, Molecular Genetics and Genomics, ARUP Laboratories
Classification: Uncertain significance. Last evaluated: 2017-02-16. Review status: criteria provided, single submitter. Criteria: ARUP Molecular Germline Variant Investigation Process. Collection method: clinical testing. Allele origin: germline.

Natera, Inc.
Classification: Uncertain significance for Galactosemia. Last evaluated: 2018-04-20. Review status: no assertion criteria provided. Collection method: clinical testing. Allele origin: germline. Not counted in ClinVar's aggregate classification.

Department of Pathology and Laboratory Medicine, Sinai Health System
Classification: Uncertain significance. Review status: no assertion criteria provided. Collection method: clinical testing. Allele origin: unknown. Affected: yes. Study: The Canadian Open Genetics Repository (COGR). Not counted in ClinVar's aggregate classification.
Comment: The GALT p.Ile269Val variant was identified in 1 of 154 proband chromosomes (frequency: 0.0065) from patients with galactosaemia (Zekanowski_2001_PMID:11678552). The variant was identified in dbSNP (ID: rs111033819) and ClinVar (classified as uncertain significance by ARUP Laboratories, Counsyl and Invitae, and as pathogenic by Research and Development, ARUP Laboratories). The variant was identified in control databases in 31 of 282716 chromosomes at a frequency of 0.0001097 (Genome Aggregation Database March 6, 2019, v2.1.1). The variant was observed in the following populations: European (non-Finnish) in 27 of 129094 chromosomes (freq: 0.000209), European (Finnish) in 3 of 25098 chromosomes (freq: 0.00012) and Ashkenazi Jewish in 1 of 10360 chromosomes (freq: 0.000097), but was not observed in the African, Latino, East Asian, Other or South Asian populations. The p.Ile269 residue is not conserved in mammals and four out of five computational analyses (PolyPhen-2, SIFT, AlignGVGD, BLOSUM, MutationTaster) do not suggest a high likelihood of impact to the protein; however, this information is not predictive enough to rule out pathogenicity. The variant occurs outside of the splicing consensus sequence and in silico or computational prediction software programs (SpliceSiteFinder, MaxEntScan, NNSPLICE, GeneSplicer) do not predict a difference in splicing. In summary, based on the above information the clinical significance of this variant cannot be determined with certainty at this time. This variant is classified as a variant of uncertain significance.

Literature cited by the submitters: PubMed 11678552 (cited by 4 submitters); PubMed 25087612 (cited by Women's Health and Genetics/Laboratory Corporation of America, LabCorp and Illumina Laboratory Services, Illumina).